The following is an entry in ClinVar:

NM_000051.4(ATM):c.832G>T (p.Val278Phe)

Gene: ATM (ATM serine/threonine kinase; plus strand). Cytogenetic location: 11q22.3.
Variant type: single nucleotide variant.
Coding change: c.832G>T on transcript NM_000051.4 (MANE Select); coding-DNA position 832, G replaced by T.
Protein change: p.Val278Phe; replaces valine 278 with phenylalanine.
Molecular consequence: missense variant.
Genome position (GRCh38, 1-based): chr11:108,244,957, G>T. VCF-style: chr11-108244957-G-T. GRCh37 (hg19) VCF-style: chr11-108115684-G-T.
Other names: c.832G>T, p.Val278Phe (NM_001351834.2); short protein forms V278F.
Identifiers: ClinVar variation 453728 (VCV000453728.12), dbSNP rs761005590, ClinGen allele CA6264682.

ClinVar aggregate classification (germline): Uncertain significance. Review status: criteria provided, multiple submitters, no conflicts (2 of 4 stars). 3 submissions from 3 submitters: Uncertain significance (2). 1 of the submissions does not count toward it. Last evaluated 2024-08-07.

Conditions:
Hereditary cancer-predisposing syndrome. Also called: Tumor predisposition; Hereditary Cancer Syndrome; Neoplastic Syndromes, Hereditary; Hereditary neoplastic syndrome. Identifiers: Orphanet 140162, MedGen C0027672, MeSH D009386, MONDO:0015356.
Ataxia-telangiectasia syndrome (AT). Also called: Cerebello-oculocutaneous telangiectasia; Immunodeficiency with ataxia telangiectasia; Ataxia-telangiectasia, complementation group D; AT, COMPLEMENTATION GROUP C; Ataxia-telangiectasia, complementation group E; LOUIS-BAR SYNDROME. Identifiers: Orphanet 100, MedGen C0004135, MONDO:0008840, OMIM 208900.

Allele frequency attached by ClinVar (database versions not stated): gnomAD exomes below 0.00001; ExAC 0.00001.
gnomAD v4.1: 1 of 1,613,072 alleles (0.000062%); highest among the groups gnomAD compares: East Asian, 0.0022%; no homozygotes.

Submissions (3):

Ambry Genetics
Classification: Uncertain significance for Hereditary cancer-predisposing syndrome. Last evaluated: 2024-08-07. Review status: criteria provided, single submitter. Criteria: Ambry Variant Classification Scheme 2023. Collection method: clinical testing. Allele origin: germline.
Comment: The p.V278F variant (also known as c.832G>T), located in coding exon 6 of the ATM gene, results from a G to T substitution at nucleotide position 832. The valine at codon 278 is replaced by phenylalanine, an amino acid with highly similar properties. This amino acid position is conserved. In addition, this alteration is predicted to be tolerated by in silico analysis. Based on the available evidence, the clinical significance of this variant remains unclear.

Labcorp Genetics (formerly Invitae), Labcorp
Classification: Uncertain significance for Ataxia-telangiectasia syndrome. Last evaluated: 2022-01-15. Review status: criteria provided, single submitter. Criteria: Invitae Variant Classification Sherloc (09022015). Collection method: clinical testing. Allele origin: germline.
Comment: This sequence change replaces valine, which is neutral and non-polar, with phenylalanine, which is neutral and non-polar, at codon 278 of the ATM protein (p.Val278Phe). This variant is present in population databases (rs761005590, gnomAD 0.006%). This variant has not been reported in the literature in individuals affected with ATM-related conditions. ClinVar contains an entry for this variant (Variation ID: 453728). Advanced modeling of protein sequence and biophysical properties (such as structural, functional, and spatial information, amino acid conservation, physicochemical variation, residue mobility, and thermodynamic stability) performed at Invitae indicates that this missense variant is not expected to disrupt ATM protein function. In summary, the available evidence is currently insufficient to determine the role of this variant in disease. Therefore, it has been classified as a Variant of Uncertain Significance.

Natera, Inc.
Classification: Uncertain significance for Ataxia-telangiectasia. Last evaluated: 2021-08-25. Review status: no assertion criteria provided. Collection method: clinical testing. Allele origin: germline. Not counted in ClinVar's aggregate classification.